The following is an entry in ClinVar:

NM_015662.3(IFT172):c.3771G>A (p.Leu1257=)

Genes: IFT172 (intraflagellar transport 172; minus strand), LOC126806173 (BRD4-independent group 4 enhancer GRCh37_chr2:27676057-27677256; plus strand). Cytogenetic location: 2p23.3.
Variant type: single nucleotide variant.
Coding change: c.3771G>A on transcript NM_015662.3 (MANE Select); coding-DNA position 3771, G replaced by A.
Protein change: p.Leu1257=; no amino-acid change (leucine 1257 retained).
Molecular consequence: synonymous variant.
Genome position (GRCh38, 1-based): chr2:27,453,680, C>T on the plus strand (G>A on the coding strand, the complement: IFT172 is on the minus strand). VCF-style: chr2-27453680-C-T. GRCh37 (hg19) VCF-style: chr2-27676547-C-T.
Identifiers: ClinVar variation 745837 (VCV000745837.5), dbSNP rs776998100, ClinGen allele CA1579866.

ClinVar aggregate classification (germline): Likely benign. Review status: criteria provided, single submitter (1 of 4 stars). 2 submissions from 2 submitters: Likely benign (1). 1 of the submissions does not count toward it. Last evaluated 2018-06-16.

Conditions:
IFT172-related disorder. Also called: IFT172-related disorders; IFT172-related condition.

Allele frequency attached by ClinVar (database versions not stated): gnomAD exomes below 0.00001 and 0.00003; TOPMed below 0.00001; ExAC 0.00001.
gnomAD v4.1: 36 of 1,612,620 alleles (0.0022%); highest among the groups gnomAD compares: Non-Finnish European, 0.003%; no homozygotes.

Submissions (2):

Labcorp Genetics (formerly Invitae), Labcorp
Classification: Likely benign. Last evaluated: 2018-06-16. Review status: criteria provided, single submitter. Criteria: Invitae Variant Classification Sherloc (09022015). Collection method: clinical testing. Allele origin: germline.

PreventionGenetics, part of Exact Sciences
Classification: Likely benign for IFT172-related condition. Last evaluated: 2021-12-30. Review status: no assertion criteria provided. Collection method: clinical testing. Allele origin: germline. Not counted in ClinVar's aggregate classification.
Comment: This variant is classified as likely benign based on ACMG/AMP sequence variant interpretation guidelines (Richards et al. 2015 PMID: 25741868, with internal and published modifications).